The following is an entry in ClinVar:

ClinVar aggregate classification (germline): Uncertain significance. Review status: criteria provided, multiple submitters, no conflicts (2 of 4 stars). 2 submissions from 2 submitters: Uncertain significance (2). Last evaluated 2023-12-04.

Conditions:
Hereditary cancer-predisposing syndrome. Also called: Hereditary Cancer Syndrome; Hereditary neoplastic syndrome; Neoplastic Syndromes, Hereditary; Tumor predisposition. Identifiers: Orphanet 140162, MedGen C0027672, MeSH D009386, MONDO:0015356.
Fanconi anemia complementation group O. Also called: RAD51C-Related Fanconi Anemia. Identifiers: Orphanet 84, MedGen C3150653, MONDO:0013248, OMIM 613390.

Allele frequency attached by ClinVar (database versions not stated): gnomAD 0.00001; TOPMed 0.00001.
gnomAD v4.1: 1 of 1,614,058 alleles (0.000062%); highest among the groups gnomAD compares: African/African-American, 0.0013%; no homozygotes.

Submissions (2):

Color Diagnostics, LLC DBA Color Health
Classification: Uncertain significance for Hereditary cancer-predisposing syndrome. Last evaluated: 2023-12-04. Review status: criteria provided, single submitter. Criteria: ACMG Guidelines, 2015. Collection method: clinical testing. Allele origin: germline.
Comment: This missense variant replaces lysine with glutamine at codon 186 of the RAD51C protein. Computational prediction suggests that this variant may not impact protein structure and function (internally defined REVEL score threshold <= 0.5, PMID: 27666373). To our knowledge, functional studies have not been reported for this variant. This variant has not been reported in individuals affected with RAD51C-related disorders in the literature. This variant has not been identified in the general population by the Genome Aggregation Database (gnomAD). The available evidence is insufficient to determine the role of this variant in disease conclusively. Therefore, this variant is classified as a Variant of Uncertain Significance.

Labcorp Genetics (formerly Invitae), Labcorp
Classification: Uncertain significance for Fanconi anemia complementation group O. Last evaluated: 2022-12-07. Review status: criteria provided, single submitter. Criteria: Invitae Variant Classification Sherloc (09022015). Collection method: clinical testing. Allele origin: germline.
Comment: This variant is not present in population databases (gnomAD no frequency). This sequence change replaces lysine, which is basic and polar, with glutamine, which is neutral and polar, at codon 186 of the RAD51C protein (p.Lys186Gln). This variant has not been reported in the literature in individuals affected with RAD51C-related conditions. In summary, the available evidence is currently insufficient to determine the role of this variant in disease. Therefore, it has been classified as a Variant of Uncertain Significance. Algorithms developed to predict the effect of missense changes on protein structure and function (SIFT, PolyPhen-2, Align-GVGD) all suggest that this variant is likely to be tolerated. ClinVar contains an entry for this variant (Variation ID: 919329).

NM_058216.3(RAD51C):c.556A>C (p.Lys186Gln)

Gene: RAD51C (RAD51 paralog C; plus strand). Cytogenetic location: 17q22.
Variant type: single nucleotide variant.
Coding change: c.556A>C on transcript NM_058216.3 (MANE Select); coding-DNA position 556, A replaced by C.
Protein change: p.Lys186Gln; replaces lysine 186 with glutamine.
Molecular consequence: missense variant.
Genome position (GRCh38, 1-based): chr17:58,696,844, A>C. VCF-style: chr17-58696844-A-C. GRCh37 (hg19) VCF-style: chr17-56774205-A-C.
Other names: short protein forms K186Q.
Identifiers: ClinVar variation 919329 (VCV000919329.7), dbSNP rs1363104728, ClinGen allele CA400345398.